The following is an entry in ClinVar:

NM_024426.6(WT1):c.1277A>G (p.Tyr426Cys)

Gene: WT1 (WT1 transcription factor; minus strand). Cytogenetic location: 11p13.
Variant type: single nucleotide variant.
Coding change: c.1277A>G on transcript NM_024426.6 (MANE Select); coding-DNA position 1277, A replaced by G.
Protein change: p.Tyr426Cys; replaces tyrosine 426 with cysteine.
Molecular consequence: missense variant. On other transcripts: non-coding transcript variant (2), intron variant (1).
Genome position (GRCh38, 1-based): chr11:32,392,743, T>C on the plus strand (A>G on the coding strand, the complement: WT1 is on the minus strand). VCF-style: chr11-32392743-T-C. GRCh37 (hg19) VCF-style: chr11-32414289-T-C.
Other names: c.1226A>G, p.Tyr409Cys (NM_000378.6, NM_001407045.1, NM_001407049.1); c.626A>G, p.Tyr209Cys (NM_001198551.2); c.575A>G, p.Tyr192Cys (NM_001198552.2); c.89A>G, p.Tyr30Cys (NM_001367854.1); c.1271A>G, p.Tyr424Cys (NM_001407044.1); c.1277A>G, p.Tyr426Cys (NM_001407046.1, NM_024424.5); c.1154A>G, p.Tyr385Cys (NM_001407047.1); c.1103A>G, p.Tyr368Cys (NM_001407050.1); and 5 more; short protein forms Y172C, Y192C, Y209C, Y30C, Y336C, Y353C, Y368C, Y385C.
Identifiers: ClinVar variation 3235191 (VCV003235191.1), dbSNP rs2132921440.
Genomic context (GRCh38, chr11:32,392,743, plus strand): 5'-TGTCTTTTGAGCTGGTCTGAACGAGAAAACCTTCGTTCACAGTCCTTGAAGTCACACTGG[T>C]ATGGTTTCTCACCTTGGGGAAGACACATATTCTATTTGAAAATGATACTGGAAAAGGGGA-3'
Protein context (NP_077744.4, residues 416-436): HSRKHTGEKP[Tyr426Cys]QCDFKDCERR

ClinVar aggregate classification (germline): Uncertain significance (1 of 4 stars; one submission).

Conditions:
Nephrotic syndrome, type 4 (NPHS4). Also called: Familial mesangial sclerosis; Nephrotic syndrome, early onset with diffuse mesangial sclerosis. Identifiers: Orphanet 656, MedGen C3151568, MONDO:0009733, OMIM 256370.

Submission:

MVZ Medizinische Genetik Mainz
Classification: Uncertain significance for Nephrotic syndrome, type 4. Last evaluated: 2024-02-05. Review status: criteria provided, single submitter. Criteria: UK Practice Guidelines For Variant Classification V4 01 2020. Collection method: clinical testing. Allele origin: germline. Inheritance: Autosomal dominant inheritance. Affected: yes. Observed: 1 variant allele.
Comment: ACMG Criteria: PM1,PM2_SUP,PP2